The following is an entry in ClinVar:

NM_018109.4(MTPAP):c.811G>A (p.Val271Met)

Gene: MTPAP (mitochondrial poly(A) polymerase; minus strand). Cytogenetic location: 10p11.23.
Variant type: single nucleotide variant.
Coding change: c.811G>A on transcript NM_018109.4 (MANE Select); coding-DNA position 811, G replaced by A.
Protein change: p.Val271Met; replaces valine 271 with methionine.
Molecular consequence: missense variant.
Genome position (GRCh38, 1-based): chr10:30,326,605, C>T on the plus strand (G>A on the coding strand, the complement: MTPAP is on the minus strand). VCF-style: chr10-30326605-C-T. GRCh37 (hg19) VCF-style: chr10-30615534-C-T.
Other names: short protein forms V271M.
Identifiers: ClinVar variation 1509266 (VCV001509266.6), dbSNP rs1238843751, ClinGen allele CA376422464.

ClinVar aggregate classification (germline): Uncertain significance (1 of 4 stars; one submission).

Allele frequency attached by ClinVar (database versions not stated): gnomAD 0.00001; gnomAD exomes 0.00001; TOPMed 0.00002.
gnomAD v4.1: 6 of 1,613,790 alleles (0.00037%); highest among the groups gnomAD compares: East Asian, 0.0022%; no homozygotes.

Submission:

Labcorp Genetics (formerly Invitae), Labcorp
Classification: Uncertain significance. Last evaluated: 2023-08-24. Review status: criteria provided, single submitter. Criteria: Invitae Variant Classification Sherloc (09022015). Collection method: clinical testing. Allele origin: germline.
Comment: In summary, the available evidence is currently insufficient to determine the role of this variant in disease. Therefore, it has been classified as a Variant of Uncertain Significance. Algorithms developed to predict the effect of missense changes on protein structure and function output the following: SIFT: "Not Available"; PolyPhen-2: "Benign"; Align-GVGD: "Not Available". The methionine amino acid residue is found in multiple mammalian species, which suggests that this missense change does not adversely affect protein function. ClinVar contains an entry for this variant (Variation ID: 1509266). This variant has not been reported in the literature in individuals affected with MTPAP-related conditions. This variant is not present in population databases (gnomAD no frequency). This sequence change replaces valine, which is neutral and non-polar, with methionine, which is neutral and non-polar, at codon 271 of the MTPAP protein (p.Val271Met).